The following is an entry in ClinVar:

NM_001349253.2(SCN11A):c.479A>C (p.Asp160Ala)

Gene: SCN11A (sodium voltage-gated channel alpha subunit 11; minus strand). Cytogenetic location: 3p22.2.
Variant type: single nucleotide variant.
Coding change: c.479A>C on transcript NM_001349253.2 (MANE Select); coding-DNA position 479, A replaced by C.
Protein change: p.Asp160Ala; replaces aspartic acid 160 with alanine.
Molecular consequence: missense variant.
Genome position (GRCh38, 1-based): chr3:38,945,420, T>G on the plus strand (A>C on the coding strand, the complement: SCN11A is on the minus strand). VCF-style: chr3-38945420-T-G. GRCh37 (hg19) VCF-style: chr3-38986911-T-G.
Other names: c.479A>C, p.Asp160Ala (NM_014139.3); short protein forms D160A.
Identifiers: ClinVar variation 1743147 (VCV001743147.2), dbSNP rs2470694795, ClinGen allele CA352175254.

ClinVar aggregate classification (germline): Uncertain significance (1 of 4 stars; one submission).

Conditions:
Inborn genetic diseases. Identifiers: MedGen C0950123, MeSH D030342.

Allele frequency attached by ClinVar (database versions not stated): gnomAD exomes below 0.00001.
gnomAD v4.1: 1 of 1,608,722 alleles (0.000062%); highest among the groups gnomAD compares: Non-Finnish European, 0.000085%; no homozygotes.

Submission:

Ambry Genetics
Classification: Uncertain significance for Inborn genetic diseases. Last evaluated: 2021-05-11. Review status: criteria provided, single submitter. Criteria: Ambry Variant Classification Scheme 2023. Collection method: clinical testing. Allele origin: germline.
Comment: The p.D160A variant (also known as c.479A>C), located in coding exon 3 of the SCN11A gene, results from an A to C substitution at nucleotide position 479. The aspartic acid at codon 160 is replaced by alanine, an amino acid with dissimilar properties. This amino acid position is not well conserved in available vertebrate species. In addition, the in silico prediction for this alteration is inconclusive. Since supporting evidence is limited at this time, the clinical significance of this alteration remains unclear.